The following is an entry in ClinVar:

NM_006445.4(PRPF8):c.6134G>A (p.Arg2045His)

Gene: PRPF8 (pre-mRNA processing factor 8; minus strand). Cytogenetic location: 17p13.3.
Variant type: single nucleotide variant.
Coding change: c.6134G>A on transcript NM_006445.4 (MANE Select); coding-DNA position 6134, G replaced by A.
Protein change: p.Arg2045His; replaces arginine 2045 with histidine.
Molecular consequence: missense variant.
Genome position (GRCh38, 1-based): chr17:1,653,870, C>T on the plus strand (G>A on the coding strand, the complement: PRPF8 is on the minus strand). VCF-style: chr17-1653870-C-T. GRCh37 (hg19) VCF-style: chr17-1557164-C-T.
Other names: short protein forms R2045H.
Identifiers: ClinVar variation 3252573 (VCV003252573.1), dbSNP rs2543717542.

ClinVar aggregate classification (germline): Uncertain significance (1 of 4 stars; one submission).

Allele frequency attached by ClinVar (database versions not stated): gnomAD exomes below 0.00001.
gnomAD v4.1: 1 of 1,614,084 alleles (0.000062%); highest among the groups gnomAD compares: Non-Finnish European, 0.000085%; no homozygotes.

Submission:

GeneDx
Classification: Uncertain significance. Last evaluated: 2023-12-11. Review status: criteria provided, single submitter. Criteria: GeneDx Variant Classification Process June 2021. Collection method: clinical testing. Allele origin: germline. Affected: yes.
Comment: Not observed at significant frequency in large population cohorts (gnomAD); In silico analysis supports that this missense variant has a deleterious effect on protein structure/function; Has not been previously published as pathogenic or benign to our knowledge